The following is an entry in ClinVar:

ClinVar aggregate classification (germline): Pathogenic. Review status: reviewed by expert panel (3 of 4 stars). 4 submissions from 4 submitters: Pathogenic (1). 3 of the submissions do not count toward it. Last evaluated 2016-10-18.

Conditions:
Hereditary cancer-predisposing syndrome. Also called: Tumor predisposition; Neoplastic Syndromes, Hereditary; Hereditary neoplastic syndrome; Hereditary Cancer Syndrome. Identifiers: Orphanet 140162, MedGen C0027672, MeSH D009386, MONDO:0015356.
Hereditary breast ovarian cancer syndrome. Also called: Hereditary breast and ovarian cancer; Hereditary breast and ovarian cancer syndrome (HBOC); Hereditary breast and/or ovarian cancer syndrome; Breast and ovarian cancer; Hereditary breast and ovarian cancer syndrome; BRCA1- and BRCA2-Associated Hereditary Breast and Ovarian Cancer. Identifiers: Orphanet 145, MedGen C0677776, MeSH D061325, MONDO:0003582. Disease mechanism: loss of function.
Breast-ovarian cancer, familial, susceptibility to, 2 (BROVCA2). Also called: BRCA2 Hereditary Breast and Ovarian Cancer. Identifiers: Orphanet 145, MedGen C2675520, MONDO:0012933, OMIM 612555. Disease mechanism: loss of function.

Submissions (4):

Evidence-based Network for the Interpretation of Germline Mutant Alleles (ENIGMA)
Classification: Pathogenic for Breast-ovarian cancer, familial, susceptibility to, 2. Last evaluated: 2016-10-18. Review status: reviewed by expert panel. Criteria: ENIGMA BRCA1/2 Classification Criteria (2015). Collection method: curation. Allele origin: germline.
Comment: Variant allele predicted to encode a truncated non-functional protein.

Ambry Genetics
Classification: Pathogenic for Hereditary cancer-predisposing syndrome. Last evaluated: 2023-07-11. Review status: criteria provided, single submitter. Criteria: Ambry Variant Classification Scheme 2023. Collection method: clinical testing. Allele origin: germline. Not counted in ClinVar's aggregate classification.
Comment: The p.K1351* pathogenic mutation (also known as c.4051A>T), located in coding exon 10 of the BRCA2 gene, results from an A to T substitution at nucleotide position 4051. This changes the amino acid from a lysine to a stop codon within coding exon 10. This alteration was identified in a large, worldwide study of BRCA1/2 mutation positive families (Rebbeck TR et al. Hum Mutat, 2018 May;39:593-620). In addition to the clinical data presented in the literature, this alteration is expected to result in loss of function by premature protein truncation or nonsense-mediated mRNA decay. As such, this alteration is interpreted as a disease-causing mutation.

Labcorp Genetics (formerly Invitae), Labcorp
Classification: Pathogenic for Hereditary breast ovarian cancer syndrome. Last evaluated: 2023-02-05. Review status: criteria provided, single submitter. Criteria: Invitae Variant Classification Sherloc (09022015). Collection method: clinical testing. Allele origin: germline. Not counted in ClinVar's aggregate classification.
Comment: This sequence change creates a premature translational stop signal (p.Lys1351*) in the BRCA2 gene. It is expected to result in an absent or disrupted protein product. Loss-of-function variants in BRCA2 are known to be pathogenic (PMID: 20104584). This variant is not present in population databases (gnomAD no frequency). This variant has not been reported in the literature in individuals affected with BRCA2-related conditions. ClinVar contains an entry for this variant (Variation ID: 266789). For these reasons, this variant has been classified as Pathogenic.

Consortium of Investigators of Modifiers of BRCA1/2 (CIMBA), c/o University of Cambridge
Classification: Pathogenic for Breast-ovarian cancer, familial, susceptibility to, 2. Last evaluated: 2015-10-02. Review status: criteria provided, single submitter. Criteria: CIMBA Mutation Classification guidelines May 2016. Collection method: clinical testing. Allele origin: germline. Not counted in ClinVar's aggregate classification.

Literature cited by the submitters: PubMed 29446198 (cited by Ambry Genetics); PubMed 20104584 (cited by Labcorp Genetics (formerly Invitae), Labcorp).

NM_000059.4(BRCA2):c.4051A>T (p.Lys1351Ter)

Gene: BRCA2 (BRCA2 DNA repair associated; plus strand). Cytogenetic location: 13q13.1.
Variant type: single nucleotide variant.
Coding change: c.4051A>T on transcript NM_000059.4 (MANE Select); coding-DNA position 4051, A replaced by T.
Protein change: p.Lys1351Ter; replaces lysine 1351 with a stop codon.
Molecular consequence: nonsense.
Genome position (GRCh38, 1-based): chr13:32,338,406, A>T. VCF-style: chr13-32338406-A-T. GRCh37 (hg19) VCF-style: chr13-32912543-A-T.
Other names: 4279A>T; short protein forms K1351*.
Identifiers: ClinVar variation 266789 (VCV000266789.13), dbSNP rs886040510, ClinGen allele CA10589239.